The following is an entry in ClinVar:

ClinVar aggregate classification (germline): Uncertain significance (1 of 4 stars; one submission).

Conditions:
Ehlers-Danlos syndrome, classic type, 1 (EDSCL1). Also called: EHLERS-DANLOS SYNDROME, GRAVIS TYPE; EHLERS-DANLOS SYNDROME, SEVERE CLASSIC TYPE; Ehlers-Danlos syndrome, type 1; Ehlers-Danlos Syndrome, Classic Type, COL5A1-Related; EDS I. Identifiers: MedGen C0268335, MONDO:0019567, OMIM 130000.

Submission:

Labcorp Genetics (formerly Invitae), Labcorp
Classification: Uncertain significance for Ehlers-Danlos syndrome, classic type, 1. Last evaluated: 2023-11-02. Review status: criteria provided, single submitter. Criteria: Invitae Variant Classification Sherloc (09022015). Collection method: clinical testing. Allele origin: germline.
Comment: This sequence change replaces glycine, which is neutral and non-polar, with alanine, which is neutral and non-polar, at codon 369 of the COL5A2 protein (p.Gly369Ala). This variant is not present in population databases (gnomAD no frequency). This variant has not been reported in the literature in individuals affected with COL5A2-related conditions. An algorithm developed to predict the effect of missense changes on protein structure and function (PolyPhen-2) suggests that this variant is likely to be disruptive. In summary, the available evidence is currently insufficient to determine the role of this variant in disease. Therefore, it has been classified as a Variant of Uncertain Significance.

NM_000393.5(COL5A2):c.1106G>C (p.Gly369Ala)

Gene: COL5A2 (collagen type V alpha 2 chain; minus strand). Cytogenetic location: 2q32.2.
Variant type: single nucleotide variant.
Coding change: c.1106G>C on transcript NM_000393.5 (MANE Select); coding-DNA position 1106, G replaced by C.
Protein change: p.Gly369Ala; replaces glycine 369 with alanine.
Molecular consequence: missense variant.
Genome position (GRCh38, 1-based): chr2:189,072,092, C>G on the plus strand (G>C on the coding strand, the complement: COL5A2 is on the minus strand). VCF-style: chr2-189072092-C-G. GRCh37 (hg19) VCF-style: chr2-189936818-C-G.
Other names: short protein forms G369A.
Identifiers: ClinVar variation 2692755 (VCV002692755.3), dbSNP rs2469321911, ClinGen allele CA349854560.